The following is an entry in ClinVar:

NM_003073.5(SMARCB1):c.117C>T (p.Phe39=)

Gene: SMARCB1 (SWI/SNF related BAF chromatin remodeling complex subunit B1; plus strand). Cytogenetic location: 22q11.23.
Variant type: single nucleotide variant.
Coding change: c.117C>T on transcript NM_003073.5 (MANE Select); coding-DNA position 117, C replaced by T.
Protein change: p.Phe39=; no amino-acid change (phenylalanine 39 retained).
Molecular consequence: synonymous variant.
Genome position (GRCh38, 1-based): chr22:23,791,779, C>T. VCF-style: chr22-23791779-C-T. GRCh37 (hg19) VCF-style: chr22-24133966-C-T.
Other names: c.117C>T, p.Phe39= (NM_001007468.3, NM_001317946.2, NM_001362877.2).
Identifiers: ClinVar variation 700724 (VCV000700724.18), dbSNP rs757517233, ClinGen allele CA10145854.

ClinVar aggregate classification (germline): Conflicting classifications of pathogenicity. Review status: criteria provided, conflicting classifications (1 of 4 stars). 5 submissions from 5 submitters: Uncertain significance (1); Likely benign (4). Last evaluated 2025-11-11.

Conditions:
Hereditary cancer-predisposing syndrome. Also called: Neoplastic Syndromes, Hereditary; Hereditary neoplastic syndrome; Hereditary Cancer Syndrome; Tumor predisposition. Identifiers: Orphanet 140162, MedGen C0027672, MeSH D009386, MONDO:0015356.

Allele frequency attached by ClinVar (database versions not stated): ExAC 0.00001; gnomAD 0.00001; gnomAD exomes 0.00001; TOPMed 0.00001.
gnomAD v4.1: 15 of 1,613,876 alleles (0.00093%); highest among the groups gnomAD compares: Middle Eastern, 0.016%; no homozygotes.

Submissions (5):

Labcorp Genetics (formerly Invitae), Labcorp
Classification: Likely benign. Last evaluated: 2025-11-11. Review status: criteria provided, single submitter. Criteria: Invitae Variant Classification Sherloc (09022015). Collection method: clinical testing. Allele origin: germline.

GeneDx
Classification: Uncertain significance. Last evaluated: 2025-01-15. Review status: criteria provided, single submitter. Criteria: GeneDx Variant Classification Process June 2021. Collection method: clinical testing. Allele origin: germline.
Comment: In silico analysis supports that this variant does not alter splicing; Has not been previously published as pathogenic or benign to our knowledge

Blueprint Genetics
Classification: Likely benign. Last evaluated: 2024-09-04. Review status: criteria provided, single submitter. Criteria: ACMG Guidelines, 2015. Collection method: clinical testing. Allele origin: germline.

Sema4
Classification: Likely benign for Hereditary cancer-predisposing syndrome. Last evaluated: 2020-09-09. Review status: criteria provided, single submitter. Criteria: Sema4 Curation Guidelines. Collection method: curation. Allele origin: germline.

Ambry Genetics
Classification: Likely benign for Hereditary cancer-predisposing syndrome. Last evaluated: 2019-02-16. Review status: criteria provided, single submitter. Criteria: Ambry Variant Classification Scheme 2023. Collection method: clinical testing. Allele origin: germline.